The following continues an entry in ClinVar:

NM_007294.4(BRCA1):c.3018_3021del (p.His1006fs)

Gene: BRCA1. ClinVar aggregate classification (germline): Pathogenic. Pathogenic (1).

Submissions 12 to 21 of 21:

Human Genome Sequencing Center Clinical Lab, Baylor College of Medicine
Classification: Pathogenic for Familial breast-ovarian cancer 1. Last evaluated: 2019-08-19. Review status: criteria provided, single submitter. Criteria: ACMG Guidelines, 2015. Collection method: clinical testing. Allele origin: germline. Not counted in ClinVar's aggregate classification.
Comment: The c.3018_3021delTTCA (p.His1006GlnfsTer17) variant in the BRCA1 gene is predicted to introduce a premature translation termination codon. This variant is not observed in gnomAD and is considered pathogenic by the ENIGMA expert panel (Accession: SCV000299874.2). It has been identified in three Slovene hereditary breast and ovarian cancer families (PMID 22923021). Therefore, the c.3018_3021delTTCA (p.His1006GlnfsTer17) variant in the BRCA1 gene is classified as pathogenic.

Consortium of Investigators of Modifiers of BRCA1/2 (CIMBA), c/o University of Cambridge
Classification: Pathogenic for Breast-ovarian cancer, familial, susceptibility to, 1. Last evaluated: 2015-10-02. Review status: criteria provided, single submitter. Criteria: CIMBA Mutation Classification guidelines May 2016. Collection method: clinical testing. Allele origin: germline. Not counted in ClinVar's aggregate classification.

Quest Diagnostics Nichols Institute San Juan Capistrano
Classification: Pathogenic for Breast-ovarian cancer, familial, susceptibility to, 1. Last evaluated: 2015-09-19. Review status: criteria provided, single submitter. Criteria: Quest Diagnostics criteria. Collection method: clinical testing. Allele origin: germline. Inheritance: Autosomal dominant inheritance. Not counted in ClinVar's aggregate classification.

Molecular Genetics Laboratory, University of Michigan
Classification: Pathogenic for Breast-ovarian cancer, familial, susceptibility to, 1. Last evaluated: 2014-11-03. Review status: criteria provided, single submitter. Criteria: ACMG Guidelines, 2015. Collection method: clinical testing. Allele origin: germline. Affected: yes. Not counted in ClinVar's aggregate classification.

BRCAlab, Lund University
Classification: Pathogenic for Breast-ovarian cancer, familial, susceptibility to, 1. Last evaluated: 2020-03-02. Review status: no assertion criteria provided. Collection method: clinical testing. Allele origin: germline. Affected: yes. Not counted in ClinVar's aggregate classification.

CZECANCA consortium
Classification: Pathogenic for Breast and/or ovarian cancer. Last evaluated: 2019-06-11. Review status: no assertion criteria provided. Collection method: clinical testing. Allele origin: germline. Affected: yes. Observed: 4 variant alleles. Not counted in ClinVar's aggregate classification.

German Consortium for Hereditary Breast and Ovarian Cancer, University Hospital Cologne
Classification: Pathogenic for Ovarian neoplasm. Last evaluated: 2018-12-01. Review status: no assertion criteria provided. Collection method: research. Allele origin: germline. Affected: yes. Not counted in ClinVar's aggregate classification.

Institute of Human Genetics, Medical University Innsbruck
Classification: Pathogenic for Breast-ovarian cancer, familial 1. Last evaluated: 2015-02-11. Review status: no assertion criteria provided. Criteria: clinical testing. Collection method: clinical testing. Allele origin: germline. Affected: yes. Observed: 7 variant alleles. Study: BRCA-Tyrol. Not counted in ClinVar's aggregate classification.
Comment: BRCA-mutation spectrum Western Austria

Research Molecular Genetics Laboratory, Women's College Hospital, University of Toronto
Classification: Pathogenic for Hereditary breast ovarian cancer syndrome. Last evaluated: 2014-01-31. Review status: no assertion criteria provided. Collection method: research. Allele origin: germline. Affected: yes. Study: The Canadian Open Genetics Repository (COGR). Not counted in ClinVar's aggregate classification.

Breast Cancer Information Core (BIC) (BRCA1)
Classification: Pathogenic for Breast-ovarian cancer, familial 1. Last evaluated: 2004-02-20. Review status: no assertion criteria provided. Collection method: clinical testing. Allele origin: germline. Affected: yes. Observed: 7 variant alleles. Not counted in ClinVar's aggregate classification.

Literature cited by the submitters: PubMed 20104584 (cited by Labcorp Genetics (formerly Invitae), Labcorp); PubMed 9663595 (cited by 3 submitters); PubMed 29907814 (cited by 3 submitters); PubMed 21232165 (cited by Ambry Genetics and Quest Diagnostics Nichols Institute San Juan Capistrano); PubMed 22923021 (cited by Ambry Genetics and Quest Diagnostics Nichols Institute San Juan Capistrano); PubMed 28740454 (cited by Ambry Genetics and Sema4); PubMed 28715532 (cited by Sema4); PubMed 26014432 (cited by Sema4); PubMed 29446198 (cited by Sema4); PubMed 26295337 (cited by Quest Diagnostics Nichols Institute San Juan Capistrano); PubMed 32295079 (cited by CZECANCA consortium).